The following is an entry in ClinVar:

ClinVar aggregate classification (germline): Uncertain significance. Review status: criteria provided, multiple submitters, no conflicts (2 of 4 stars). 3 submissions from 3 submitters: Uncertain significance (3). Last evaluated 2025-10-13.

Conditions:
BBS12-related disorder. Also called: BBS12-related condition.
Inborn genetic diseases. Identifiers: MedGen C0950123, MeSH D030342.
Bardet-Biedl syndrome (BBS). Identifiers: Orphanet 110, MedGen C0752166, MONDO:0015229.

Allele frequency attached by ClinVar (database versions not stated): ExAC 0.00001; gnomAD 0.00001.
gnomAD v4.1: 51 of 1,614,090 alleles (0.0032%); highest among the groups gnomAD compares: Non-Finnish European, 0.0041%; no homozygotes.

Submissions (3):

PreventionGenetics, part of Exact Sciences
Classification: Uncertain significance for BBS12-related condition. Last evaluated: 2025-10-13. Review status: criteria provided, single submitter. Criteria: ACMG Guidelines, 2015. Collection method: clinical testing. Allele origin: germline.
Comment: The BBS12 c.1817C>G variant is predicted to result in the amino acid substitution p.Thr606Ser. To our knowledge, this variant has not been reported in the literature. This variant is reported in 0.0018% of alleles in individuals of European (Non-Finnish) descent in gnomAD. At this time, the clinical significance of this variant is uncertain due to the absence of conclusive functional and genetic evidence.

Ambry Genetics
Classification: Uncertain significance for Inborn genetic diseases. Last evaluated: 2024-02-28. Review status: criteria provided, single submitter. Criteria: Ambry Variant Classification Scheme 2023. Collection method: clinical testing. Allele origin: germline.

Labcorp Genetics (formerly Invitae), Labcorp
Classification: Uncertain significance for Bardet-Biedl syndrome. Last evaluated: 2022-02-03. Review status: criteria provided, single submitter. Criteria: Invitae Variant Classification Sherloc (09022015). Collection method: clinical testing. Allele origin: germline.
Comment: This sequence change replaces threonine, which is neutral and polar, with serine, which is neutral and polar, at codon 606 of the BBS12 protein (p.Thr606Ser). This variant is present in population databases (rs772235638, gnomAD 0.002%). This variant has not been reported in the literature in individuals affected with BBS12-related conditions. Algorithms developed to predict the effect of missense changes on protein structure and function output the following: SIFT: "Tolerated"; PolyPhen-2: "Benign"; Align-GVGD: "Class C0". The serine amino acid residue is found in multiple mammalian species, which suggests that this missense change does not adversely affect protein function. Algorithms developed to predict the effect of sequence changes on RNA splicing suggest that this variant may create or strengthen a splice site. In summary, the available evidence is currently insufficient to determine the role of this variant in disease. Therefore, it has been classified as a Variant of Uncertain Significance.

NM_152618.3(BBS12):c.1817C>G (p.Thr606Ser)

Gene: BBS12 (Bardet-Biedl syndrome 12; plus strand). Cytogenetic location: 4q27.
Variant type: single nucleotide variant.
Coding change: c.1817C>G on transcript NM_152618.3 (MANE Select); coding-DNA position 1817, C replaced by G.
Protein change: p.Thr606Ser; replaces threonine 606 with serine.
Molecular consequence: missense variant.
Genome position (GRCh38, 1-based): chr4:122,743,709, C>G. VCF-style: chr4-122743709-C-G. GRCh37 (hg19) VCF-style: chr4-123664864-C-G.
Other names: c.1817C>G (NM_152618.2); c.1817C>G, p.Thr606Ser (NM_001178007.2); short protein forms T606S.
Identifiers: ClinVar variation 2177147 (VCV002177147.3), dbSNP rs772235638, ClinGen allele CA3069511.